The following is an entry in ClinVar:

NM_017780.4(CHD7):c.2017G>A (p.Ala673Thr)

Genes: CHD7 (chromodomain helicase DNA binding protein 7; plus strand), LOC126860403 (CDK7 strongly-dependent group 2 enhancer GRCh37_chr8:61693034-61694233; plus strand). Cytogenetic location: 8q12.2.
Variant type: single nucleotide variant.
Coding change: c.2017G>A on transcript NM_017780.4 (MANE Select); coding-DNA position 2017, G replaced by A.
Protein change: p.Ala673Thr; replaces alanine 673 with threonine.
Molecular consequence: missense variant. On other transcripts: intron variant (1).
Genome position (GRCh38, 1-based): chr8:60,781,351, G>A. VCF-style: chr8-60781351-G-A. GRCh37 (hg19) VCF-style: chr8-61693910-G-A.
Other names: c.1716+301G>A (NM_001316690.1); short protein forms A673T.
Identifiers: ClinVar variation 1936422 (VCV001936422.5), dbSNP rs2487540525, ClinGen allele CA371313404.

ClinVar aggregate classification (germline): Uncertain significance (1 of 4 stars; one submission).

Conditions:
CHARGE syndrome (CHARGE). Also called: Hittner Hirsch Kreh syndrome; CHARGE ASSOCIATION--COLOBOMA, HEART ANOMALY, CHOANAL ATRESIA, RETARDATION, GENITAL AND EAR ANOMALIES; Coloboma, heart anomaly, choanal atresia, retardation, genital and ear anomalies; CHARGE association; Hall-Hittner syndrome. Identifiers: Orphanet 138, MedGen C0265354, MONDO:0008965.

Allele frequency attached by ClinVar (database versions not stated): gnomAD exomes below 0.00001.
gnomAD v4.1: 1 of 1,560,816 alleles (0.000064%); highest among the groups gnomAD compares: Middle Eastern, 0.017%; no homozygotes.

Submission:

Labcorp Genetics (formerly Invitae), Labcorp
Classification: Uncertain significance for CHARGE syndrome. Last evaluated: 2022-05-06. Review status: criteria provided, single submitter. Criteria: Invitae Variant Classification Sherloc (09022015). Collection method: clinical testing. Allele origin: germline.
Comment: This sequence change replaces alanine, which is neutral and non-polar, with threonine, which is neutral and polar, at codon 673 of the CHD7 protein (p.Ala673Thr). In summary, the available evidence is currently insufficient to determine the role of this variant in disease. Therefore, it has been classified as a Variant of Uncertain Significance. Advanced modeling of protein sequence and biophysical properties (such as structural, functional, and spatial information, amino acid conservation, physicochemical variation, residue mobility, and thermodynamic stability) performed at Invitae indicates that this missense variant is not expected to disrupt CHD7 protein function. This variant has not been reported in the literature in individuals affected with CHD7-related conditions. This variant is not present in population databases (gnomAD no frequency).